The following continues an entry in ClinVar:

NM_000051.4(ATM):c.1810C>T (p.Pro604Ser)

Gene: ATM. ClinVar aggregate classification (germline): Benign. Benign (1).

Submissions 39 to 41 of 41:

Department of Pathology and Laboratory Medicine, Sinai Health System
Classification: Likely benign for Malignant tumor of breast. Review status: no assertion criteria provided. Collection method: clinical testing. Allele origin: unknown. Affected: yes. Study: The Canadian Open Genetics Repository (COGR). Not counted in ClinVar's aggregate classification.
Comment: The ATM p.Pro604Ser variant was identified in 12 of 2910 proband chromosomes (frequency: 0.0041) from individuals or families with breast cancer, ovarian cancer, Ataxia Telangiectasia and several types of lymphomas and was present in 8 of 900 control chromosomes (frequency: 0.009) from healthy individuals (Broeks 2008, Dork 2001, Fang 2003, Gronbaek 2002, Verhagen 2011). The variant was also identified in dbSBP (ID: rs2227922) as â€šÃ„ÃºWith Likely benign alleleâ€šÃ„Ã¹, ClinVar (as likely benign by EGL Diagnostics, Genetic Services Laboratory Chicago, and GeneDx, and as benign by Invitae, Ambry Genetics and Color Genomics), Clinvitae (4x as benign and likely benign), and Cosmic (8x) databases. The variant was not identified in MutDB, LOVD 3.0, ATM-LOVD, databases. The variant was identified in control databases in 887 of 275954 chromosomes at a frequency of 0.003214 in the following populations: Ashkenazi Jewish in 332 (10 homozygous) of 10120 chromosomes (freq. 0.0328), Other in 49 (3 homozygous) of 6424 chromosomes (freq. 0.0076), African in 161 of 23966 chromosomes (freq. 0.0067), Latino in 135 (1 homozygous) of 34286 chromosomes (freq. 0.0039), European (Non-Finnish) in 191 of 126004 chromosomes (freq. 0.0015), South Asian in 16 (1 homozygous) of 30606 chromosomes (freq. 0.0005), and European (Finnish) in 3 of 25730 chromosomes (freq. 0.0001), increasing the likelihood this could be a low frequency benign variant (Genome Aggregation Consortium Feb 27, 2017). A study of Hodgkinâ€šÃ„Ã´s lymphoma patients postulated that the p.Pro604Ser variant creates a new glycosylation site which might interfere with ATM function and proteinâ€šÃ„Ã¬protein interaction (Offit 2002). The p.Pro604Ser variant was found to co-occur with p.Phe1463Cys in 2 individuals with Non-Hodgkinâ€šÃ„Ã´s lymphoma (Liberzon 2004). The p.Pro604 residue is conserved in in mammals but not in more distantly related organisms, and the variant amino acid Serine (Ser) is present in the African tree frog, increasing the likelihood that this variant does not have clinical significance. Computational analyses (PolyPhen-2, SIFT, AlignGVGD, BLOSUM, MutationTaster) suggest that the variant may impact the protein; however, this information is not predictive enough to assume pathogenicity. The variant occurs outside of the splicing consensus sequence and in silico or computational prediction software programs (SpliceSiteFinder, MaxEntScan, NNSPLICE, GeneSplicer, HumanSpliceFinder) do not predict a difference in splicing. In summary, based on the above information the clinical significance of this variant cannot be determined with certainty at this time although we would lean towards a more benign role for this variant. This variant is classified as likely benign.

Joint Genome Diagnostic Labs from Nijmegen and Maastricht, Radboudumc and MUMC+
Classification: Likely benign. Review status: no assertion criteria provided. Collection method: clinical testing. Allele origin: germline. Affected: yes. Study: VKGL Data-share Consensus. Not counted in ClinVar's aggregate classification.

Laboratory of Diagnostic Genome Analysis, Leiden University Medical Center (LUMC)
Classification: Likely benign. Review status: no assertion criteria provided. Collection method: clinical testing. Allele origin: germline. Affected: yes. Study: VKGL Data-share Consensus. Not counted in ClinVar's aggregate classification.

Literature cited by the submitters: PubMed 25980754 (cited by 3 submitters); PubMed 23810757 (cited by Athena Diagnostics and Quest Diagnostics Nichols Institute San Juan Capistrano); PubMed 27150160 (cited by Athena Diagnostics and Quest Diagnostics Nichols Institute San Juan Capistrano); PubMed 25318351 (cited by 3 submitters); PubMed 26917275 (cited by Athena Diagnostics and Quest Diagnostics Nichols Institute San Juan Capistrano); PubMed 24834793 (cited by Athena Diagnostics and Quest Diagnostics Nichols Institute San Juan Capistrano); PubMed 27375234 (cited by Athena Diagnostics and Quest Diagnostics Nichols Institute San Juan Capistrano); PubMed 27568332 (cited by Athena Diagnostics and Quest Diagnostics Nichols Institute San Juan Capistrano); PubMed 38002934 (cited by Athena Diagnostics); PubMed 33134171 (cited by Athena Diagnostics and Quest Diagnostics Nichols Institute San Juan Capistrano); PubMed 32986223 (cited by Athena Diagnostics and Quest Diagnostics Nichols Institute San Juan Capistrano); PubMed 33280026 (cited by Athena Diagnostics and Quest Diagnostics Nichols Institute San Juan Capistrano); PubMed 33181636 (cited by Athena Diagnostics and Quest Diagnostics Nichols Institute San Juan Capistrano); PubMed 24728327 (cited by 4 submitters); PubMed 25625042 (cited by 3 submitters); PubMed 11606401 (cited by 3 submitters); PubMed 22213089 (cited by 3 submitters); PubMed 22529920 (cited by Athena Diagnostics and Quest Diagnostics Nichols Institute San Juan Capistrano); PubMed 22995991 (cited by Athena Diagnostics and Quest Diagnostics Nichols Institute San Juan Capistrano); PubMed 12149228 (cited by 3 submitters); PubMed 23114601 (cited by Athena Diagnostics and Quest Diagnostics Nichols Institute San Juan Capistrano); PubMed 24142997 (cited by Athena Diagnostics and Quest Diagnostics Nichols Institute San Juan Capistrano); PubMed 12473594 (cited by 3 submitters); PubMed 12810666 (cited by 3 submitters); PubMed 14735203 (cited by 3 submitters); DOI 10.3390/ijms26135928 (cited by Dipartimento Di Medicina Di Precisione, Università Degli Studi Della Campania Luigi Vanvitelli); PubMed 25085752 (cited by Myriad Genetics, Inc.); PubMed 26123645 (cited by Women's Health and Genetics/Laboratory Corporation of America, LabCorp); PubMed 26787654 (cited by Women's Health and Genetics/Laboratory Corporation of America, LabCorp); PubMed 12697903 (cited by Women's Health and Genetics/Laboratory Corporation of America, LabCorp); PubMed 25587027 (cited by Women's Health and Genetics/Laboratory Corporation of America, LabCorp); PubMed 21787400 (cited by Women's Health and Genetics/Laboratory Corporation of America, LabCorp); PubMed 23555315 (cited by Women's Health and Genetics/Laboratory Corporation of America, LabCorp); PubMed 24695838 (cited by Women's Health and Genetics/Laboratory Corporation of America, LabCorp); PubMed 21792198 (cited by Women's Health and Genetics/Laboratory Corporation of America, LabCorp); PubMed 17490827 (cited by Women's Health and Genetics/Laboratory Corporation of America, LabCorp); PubMed 25479140 (cited by Women's Health and Genetics/Laboratory Corporation of America, LabCorp); PubMed 20305132 (cited by Women's Health and Genetics/Laboratory Corporation of America, LabCorp); PubMed 26010451 (cited by Women's Health and Genetics/Laboratory Corporation of America, LabCorp).